The following is an entry in ClinVar:

ClinVar aggregate classification (germline): Uncertain significance (1 of 4 stars; one submission).

Submission:

Labcorp Genetics (formerly Invitae), Labcorp
Classification: Uncertain significance. Last evaluated: 2025-08-20. Review status: criteria provided, single submitter. Criteria: Invitae Variant Classification Sherloc (09022015). Collection method: clinical testing. Allele origin: germline.
Comment: This sequence change falls in intron 5 of the PPP1CB gene. It does not directly change the encoded amino acid sequence of the PPP1CB protein. It affects a nucleotide within the consensus splice site. This variant is not present in population databases (gnomAD no frequency). This variant has not been reported in the literature in individuals affected with PPP1CB-related conditions. Variants that disrupt the consensus splice site are a relatively common cause of aberrant splicing (PMID: 17576681, 9536098). Algorithms developed to predict the effect of sequence changes on RNA splicing suggest that this variant may disrupt the consensus splice site. In summary, the available evidence is currently insufficient to determine the role of this variant in disease. Therefore, it has been classified as a Variant of Uncertain Significance.

Literature cited by the submitters: PubMed 17576681; PubMed 9536098.

NM_002709.3(PPP1CB):c.520+3A>G

Gene: PPP1CB (protein phosphatase 1 catalytic subunit beta; plus strand). Cytogenetic location: 2p23.2.
Variant type: single nucleotide variant.
Coding change: c.520+3A>G on transcript NM_002709.3 (MANE Select); 3 bases into the intron after coding-DNA position 520, A replaced by G.
Molecular consequence: intron variant.
Genome position (GRCh38, 1-based): chr2:28,781,845, A>G. VCF-style: chr2-28781845-A-G. GRCh37 (hg19) VCF-style: chr2-29004711-A-G.
Other names: c.520+3A>G (NM_206876.2).
Identifiers: ClinVar variation 4702730 (VCV004702730.1).